The following is an entry in ClinVar:

ClinVar aggregate classification (germline): Benign/Likely benign. Review status: criteria provided, multiple submitters, no conflicts (2 of 4 stars). 5 submissions from 5 submitters: Benign (1); Likely benign (4). Last evaluated 2025-07-07.

Conditions:
Familial adenomatous polyposis 1 (FAP1). Also called: FAMILIAL ADENOMATOUS POLYPOSIS 1, ATTENUATED; POLYPOSIS, ADENOMATOUS INTESTINAL. Identifiers: MedGen C2713442, MONDO:0021056, OMIM 175100. Disease mechanism: loss of function.
Hereditary cancer-predisposing syndrome. Also called: Tumor predisposition; Neoplastic Syndromes, Hereditary; Hereditary neoplastic syndrome; Hereditary Cancer Syndrome. Identifiers: Orphanet 140162, MedGen C0027672, MeSH D009386, MONDO:0015356.
Classic or attenuated familial adenomatous polyposis. Identifiers: MedGen CN372698, MONDO:0021057.

Allele frequency attached by ClinVar (database versions not stated): gnomAD exomes below 0.00001.
gnomAD v4.1: 1 of 1,614,088 alleles (0.000062%); highest among the groups gnomAD compares: Non-Finnish European, 0.000085%; no homozygotes.

Submissions (5):

Labcorp Genetics (formerly Invitae), Labcorp
Classification: Likely benign for Familial adenomatous polyposis 1. Last evaluated: 2025-07-07. Review status: criteria provided, single submitter. Criteria: Invitae Variant Classification Sherloc (09022015). Collection method: clinical testing. Allele origin: germline.

Myriad Genetics, Inc.
Classification: Benign for Familial adenomatous polyposis 1. Last evaluated: 2024-04-15. Review status: criteria provided, single submitter. Criteria: Myriad Autosomal Dominant, Autosomal Recessive and X-Linked Classification Criteria (2023). Collection method: clinical testing. Allele origin: unknown.
Comment: This variant is considered benign. This variant is a silent/synonymous amino acid change and it is not expected to impact splicing.

All of Us Research Program, National Institutes of Health
Classification: Likely benign for Classic or attenuated familial adenomatous polyposis. Last evaluated: 2023-10-30. Review status: criteria provided, single submitter. Criteria: ACMG Guidelines, 2015. Collection method: clinical testing. Allele origin: germline. Inheritance: Autosomal dominant inheritance. Observed: 2 variant alleles, 2 heterozygotes.
Comment: This study involves interpretation of variants in research participants for the purpose of population health screening. Participant phenotype was not available at the time of variant classification. Additional details can be found in publication PMID: 35346344, PMCID: PMC8962531

Color Diagnostics, LLC DBA Color Health
Classification: Likely benign for Hereditary cancer-predisposing syndrome. Last evaluated: 2020-02-24. Review status: criteria provided, single submitter. Criteria: ACMG Guidelines, 2015. Collection method: clinical testing. Allele origin: germline.

Ambry Genetics
Classification: Likely benign for Hereditary cancer-predisposing syndrome. Last evaluated: 2019-03-17. Review status: criteria provided, single submitter. Criteria: Ambry Variant Classification Scheme 2023. Collection method: clinical testing. Allele origin: germline.

NM_000038.6(APC):c.8241T>G (p.Pro2747=)

Gene: APC (APC regulator of Wnt signaling pathway; plus strand). Cytogenetic location: 5q22.2.
Variant type: single nucleotide variant.
Coding change: c.8241T>G on transcript NM_000038.6 (MANE Select); coding-DNA position 8241, T replaced by G.
Protein change: p.Pro2747=; no amino-acid change (proline 2747 retained).
Molecular consequence: synonymous variant.
Genome position (GRCh38, 1-based): chr5:112,843,835, T>G. VCF-style: chr5-112843835-T-G. GRCh37 (hg19) VCF-style: chr5-112179532-T-G.
Other names: c.8241T>G, p.Pro2747= (NM_001127510.3, NM_001354895.2); c.8187T>G, p.Pro2729= (NM_001127511.3); c.8295T>G, p.Pro2765= (NM_001354896.2); c.8271T>G, p.Pro2757= (NM_001354897.2); c.8166T>G, p.Pro2722= (NM_001354898.2); c.8157T>G, p.Pro2719= (NM_001354899.2); c.8118T>G, p.Pro2706= (NM_001354900.2); c.8064T>G, p.Pro2688= (NM_001354901.2); and 5 more.
Identifiers: ClinVar variation 416725 (VCV000416725.21), dbSNP rs1060504875, ClinGen allele CA16611679.